The following is an entry in ClinVar:

NM_000395.3(CSF2RB):c.2673C>G (p.Asn891Lys)

Gene: CSF2RB (colony stimulating factor 2 receptor subunit beta; plus strand). Cytogenetic location: 22q12.3.
Variant type: single nucleotide variant.
Coding change: c.2673C>G on transcript NM_000395.3 (MANE Select); coding-DNA position 2673, C replaced by G.
Protein change: p.Asn891Lys; replaces asparagine 891 with lysine.
Molecular consequence: missense variant.
Genome position (GRCh38, 1-based): chr22:36,938,481, C>G. VCF-style: chr22-36938481-C-G. GRCh37 (hg19) VCF-style: chr22-37334523-C-G.
Other names: c.2691C>G, p.Asn897Lys (NM_001410827.1); short protein forms N891K, N897K.
Identifiers: ClinVar variation 2831136 (VCV002831136.3), dbSNP rs1941324529, ClinGen allele CA411411974.

ClinVar aggregate classification (germline): Uncertain significance (1 of 4 stars; one submission).

Submission:

Labcorp Genetics (formerly Invitae), Labcorp
Classification: Uncertain significance. Last evaluated: 2023-01-22. Review status: criteria provided, single submitter. Criteria: Invitae Variant Classification Sherloc (09022015). Collection method: clinical testing. Allele origin: germline.
Comment: In summary, the available evidence is currently insufficient to determine the role of this variant in disease. Therefore, it has been classified as a Variant of Uncertain Significance. Algorithms developed to predict the effect of missense changes on protein structure and function (SIFT, PolyPhen-2, Align-GVGD) all suggest that this variant is likely to be tolerated. This variant has not been reported in the literature in individuals affected with CSF2RB-related conditions. This variant is not present in population databases (gnomAD no frequency). This sequence change replaces asparagine, which is neutral and polar, with lysine, which is basic and polar, at codon 891 of the CSF2RB protein (p.Asn891Lys).